The following is an entry in ClinVar:

ClinVar aggregate classification (germline): Conflicting classifications of pathogenicity. Review status: criteria provided, conflicting classifications (1 of 4 stars). 3 submissions from 3 submitters: Uncertain significance (1); Likely benign (2). Last evaluated 2025-12-21.

Allele frequency attached by ClinVar (database versions not stated): gnomAD exomes 0.00018 and 0.00053; 1000 Genomes Project 0.00319; 1000 Genomes Project 30x 0.00406; ExAC 0.00054; gnomAD 0.00141; TOPMed 0.00137; ESP Exome Variant Server 0.00154.
gnomAD v4.1: 507 of 1,612,656 alleles (0.031%); highest among the groups gnomAD compares: African/African-American, 0.36%; 3 homozygotes.

Submissions (3):

Labcorp Genetics (formerly Invitae), Labcorp
Classification: Likely benign. Last evaluated: 2025-12-21. Review status: criteria provided, single submitter. Criteria: Invitae Variant Classification Sherloc (09022015). Collection method: clinical testing. Allele origin: germline.

GeneDx
Classification: Uncertain significance. Last evaluated: 2021-12-31. Review status: criteria provided, single submitter. Criteria: GeneDx Variant Classification Process June 2021. Collection method: clinical testing. Allele origin: germline. Affected: yes.
Comment: In silico analysis supports that this missense variant does not alter protein structure/function; Has not been previously published as pathogenic or benign to our knowledge

Breakthrough Genomics
Classification: Likely benign. Review status: criteria provided, single submitter. Criteria: ACMG Guidelines, 2015. Collection method: not provided. Allele origin: germline. Inheritance: Autosomal recessive inheritance. Affected: yes.

NM_000213.5(ITGB4):c.4489C>T (p.Arg1497Cys)

Genes: GALK1 (galactokinase 1; minus strand), ITGB4 (integrin subunit beta 4; plus strand). Cytogenetic location: 17q25.1.
Variant type: single nucleotide variant.
Coding change: c.4489C>T on transcript NM_000213.5 (MANE Select); coding-DNA position 4489, C replaced by T.
Protein change: p.Arg1497Cys; replaces arginine 1497 with cysteine.
Molecular consequence: missense variant. On other transcripts: intron variant (1).
Genome position (GRCh38, 1-based): chr17:75,754,746, C>T. VCF-style: chr17-75754746-C-T. GRCh37 (hg19) VCF-style: chr17-73750827-C-T.
Other names: c.4279C>T, p.Arg1427Cys (NM_001005619.2, NM_001005731.3, NM_001321123.2 and 1 more transcripts); c.*23-3009G>A (NM_001381985.1); short protein forms R1427C, R1497C.
Identifiers: ClinVar variation 791043 (VCV000791043.10), dbSNP rs148205043, ClinGen allele CA8770129.